The following is an entry in ClinVar:

ClinVar aggregate classification (germline): Uncertain significance (1 of 4 stars; one submission).

Conditions:
Hereditary nonpolyposis colorectal neoplasms. Identifiers: MedGen C0009405, MeSH D003123.

Submission:

Labcorp Genetics (formerly Invitae), Labcorp
Classification: Uncertain significance for Hereditary nonpolyposis colorectal neoplasms. Last evaluated: 2024-01-18. Review status: criteria provided, single submitter. Criteria: Invitae Variant Classification Sherloc (09022015). Collection method: clinical testing. Allele origin: unknown.
Comment: This variant results in a copy number gain of the genomic region encompassing exon(s) 1-12 of the PMS2 gene. This region includes the initiator codon of the gene. This copy number gain extends beyond the assayed region for this gene and therefore may encompass additional genes. As the precise location of this event is unknown, it may be in tandem or it may be located elsewhere in the genome. The frequency data for this variant in the population databases (gnomAD) is considered unreliable due to the presence of homologous sequence, such as pseudogenes or paralogs, in the genome. A similar copy number variant has been observed in individual(s) with suspected Lynch syndrome (PMID: 22120844). In summary, the available evidence is currently insufficient to determine the role of this variant in disease. Therefore, it has been classified as a Variant of Uncertain Significance.

Literature cited by the submitters: PubMed 22120844.

NC_000007.13:g.(?_6022435)_(6022642_?)dup

Gene: PMS2 (PMS1 homolog 2, mismatch repair system component; minus strand). Cytogenetic location: 7p22.1.
Variant type: Duplication.
Identifiers: ClinVar variation 3245656 (VCV003245656.1).